The following is an entry in ClinVar:

ClinVar aggregate classification (germline): Likely pathogenic (1 of 4 stars; one submission).

Conditions:
Dilated cardiomyopathy 1G (CMD1G). Identifiers: Orphanet 154, MedGen C1858763, MONDO:0011400, OMIM 604145.
Autosomal recessive limb-girdle muscular dystrophy type 2J (LGMDR10). Also called: Limb-girdle muscular dystrophy, type 2J; MUSCULAR DYSTROPHY, LIMB-GIRDLE, AUTOSOMAL RECESSIVE 10. Identifiers: Orphanet 140922, MedGen C1837342, MONDO:0012127, OMIM 608807.

Submission:

Labcorp Genetics (formerly Invitae), Labcorp
Classification: Likely pathogenic for Dilated cardiomyopathy 1G; Autosomal recessive limb-girdle muscular dystrophy type 2J. Last evaluated: 2024-10-18. Review status: criteria provided, single submitter. Criteria: Invitae Variant Classification Sherloc (09022015). Collection method: clinical testing. Allele origin: germline.
Comment: This sequence change creates a premature translational stop signal (p.Glu5415Alafs*9) in the TTN gene. While this is not anticipated to result in nonsense mediated decay, it is expected to create a truncated TTN protein. This variant is not present in population databases (gnomAD no frequency). This variant has not been reported in the literature in individuals affected with TTN-related conditions. Algorithms developed to predict the effect of sequence changes on RNA splicing suggest that this variant may disrupt the consensus splice site. This variant is located in the I band of TTN (PMID: 25589632). Truncating variants in this region have been reported in individuals affected with autosomal recessive centronuclear myopathy (PMID: 23975875, internal data). Truncating variants in this region have also been identified in individuals affected with autosomal dominant dilated cardiomyopathy and/or cardio-related conditions (PMID: 27869827, 32964742, internal data). In summary, the currently available evidence indicates that the variant is pathogenic, but additional data are needed to prove that conclusively. Therefore, this variant has been classified as Likely Pathogenic.

Literature cited by the submitters: PubMed 25589632; PubMed 23975875; PubMed 27869827; PubMed 32964742.

NM_001267550.2(TTN):c.16244_16248delinsCTGTCT (p.Glu5415fs)

Gene: TTN (titin; minus strand). Cytogenetic location: 2q31.2.
Variant type: Indel.
Coding change: c.16244_16248delinsCTGTCT on transcript NM_001267550.2 (MANE Select); coding-DNA positions 16244 to 16248, AGATC replaced by CTGTCT.
Protein change: p.Glu5415fs; shifts the reading frame from glutamic acid 5415.
Molecular consequence: frameshift variant. On other transcripts: intron variant (3).
Genome position (GRCh38, 1-based): chr2:178,732,928-178,732,932, GATCT replaced by AGACAG on the plus strand (AGATC replaced by CTGTCT on the coding strand, the reverse complement: TTN is on the minus strand). VCF-style: chr2-178732928-GATCT-AGACAG. GRCh37 (hg19) VCF-style: chr2-179597655-GATCT-AGACAG.
Other names: c.15293_15297delinsCTGTCT, p.Glu5098fs (NM_001256850.1); c.12512_12516delinsCTGTCT, p.Glu4171fs (NM_133378.4); c.13282+5150_13282+5154delinsCTGTCT (NM_003319.4); c.13858+5150_13858+5154delinsCTGTCT (NM_133437.4); c.13657+5150_13657+5154delinsCTGTCT (NM_133432.3); short protein forms E4171fs, E5098fs, E5415fs.
Identifiers: ClinVar variation 966896 (VCV000966896.6), dbSNP rs2080810704, ClinGen allele CA1139657482.